The following is an entry in ClinVar:

NM_012463.4(ATP6V0A2):c.482T>G (p.Leu161Trp)

Gene: ATP6V0A2 (ATPase H+ transporting V0 subunit a2; plus strand). Cytogenetic location: 12q24.31.
Variant type: single nucleotide variant.
Coding change: c.482T>G on transcript NM_012463.4 (MANE Select); coding-DNA position 482, T replaced by G.
Protein change: p.Leu161Trp; replaces leucine 161 with tryptophan.
Molecular consequence: missense variant.
Genome position (GRCh38, 1-based): chr12:123,726,246, T>G. VCF-style: chr12-123726246-T-G. GRCh37 (hg19) VCF-style: chr12-124210793-T-G.
Other names: short protein forms L161W.
Identifiers: ClinVar variation 445529 (VCV000445529.4), dbSNP rs750042310, ClinGen allele CA6861631.

ClinVar aggregate classification (germline): Uncertain significance. Review status: criteria provided, multiple submitters, no conflicts (2 of 4 stars). 2 submissions from 2 submitters: Uncertain significance (2). Last evaluated 2017-03-29.

Conditions:
Cutis laxa with osteodystrophy (ARCL2A). Also called: CUTIS LAXA WITH CONGENITAL DISORDER OF GLYCOSYLATION; CUTIS LAXA, AUTOSOMAL RECESSIVE, TYPE IIA; CUTIS LAXA WITH BONE DYSTROPHY; CUTIS LAXA WITH GROWTH AND DEVELOPMENTAL DELAY; CUTIS LAXA WITH JOINT LAXITY AND RETARDED DEVELOPMENT; Debré-Type Cutis Laxa. Identifiers: Orphanet 357058, MedGen C0268355, MONDO:0018163, OMIM 219200. Disease mechanism: loss of function.
Wrinkly skin syndrome (WSS). Also called: Type of Gerodermia osteodysplastica. Identifiers: Orphanet 2834, MedGen C0406587, MONDO:0010208, OMIM 278250.

Allele frequency attached by ClinVar (database versions not stated): gnomAD exomes 0.00001 and 0.00002; ExAC 0.00002.

Submissions (2):

Center for Pediatric Genomic Medicine, Children's Mercy Hospital and Clinics
Classification: Uncertain significance. Last evaluated: 2017-03-29. Review status: criteria provided, single submitter. Criteria: ACMG Guidelines, 2015. Collection method: clinical testing. Allele origin: germline.

Juno Genomics, Hangzhou Juno Genomics, Inc
Classification: Uncertain significance for Cutis laxa with osteodystrophy; Wrinkly skin syndrome. Review status: criteria provided, single submitter. Criteria: ACMG Guidelines, 2015. Collection method: clinical testing. Allele origin: germline.
Comment: Absent from controls (or at extremely low frequency if recessive) in Genome Aggregation Database.;Multiple lines of computational evidence support a deleterious effect on the gene or gene product.